The following is an entry in ClinVar:

NC_000017.10:g.(?_29662314)_(29663699_?)del

Gene: NF1 (neurofibromin 1; plus strand). Cytogenetic location: 17q11.2.
Variant type: Deletion.
Identifiers: ClinVar variation 3242913 (VCV003242913.1).

ClinVar aggregate classification (germline): Pathogenic (1 of 4 stars; one submission).

Conditions:
Neurofibromatosis, type 1 (NF1). Also called: VON RECKLINGHAUSEN DISEASE; Neurofibromatosis, type I; Peripheral type neurofibromatosis; NEUROFIBROMATOSIS, TYPE I, SOMATIC. Identifiers: Orphanet 636, MedGen C0027831, MONDO:0018975, OMIM 162200. Disease mechanism: loss of function.

Submission:

Labcorp Genetics (formerly Invitae), Labcorp
Classification: Pathogenic for Neurofibromatosis, type 1. Last evaluated: 2023-04-28. Review status: criteria provided, single submitter. Criteria: Invitae Variant Classification Sherloc (09022015). Collection method: clinical testing. Allele origin: unknown.
Comment: For these reasons, this variant has been classified as Pathogenic. This variant disrupts a region of the NF1 protein in which other variant(s) (p.Asp1987His) have been determined to be pathogenic (PMID: 30308447). This suggests that this is a clinically significant region of the protein, and that variants that disrupt it are likely to be disease-causing. This variant has not been reported in the literature in individuals affected with NF1-related conditions. This variant results in the deletion of exon 40 and part of exon 41 (c.5943+265_6131delins43) of the NF1 gene. It is expected to disrupt RNA splicing. Variants that disrupt the donor or acceptor splice site typically lead to a loss of protein function (PMID: 16199547), and loss-of-function variants in NF1 are known to be pathogenic (PMID: 10712197, 23913538).

Literature cited by the submitters: PubMed 30308447; PubMed 16199547; PubMed 10712197; PubMed 23913538.